The following is an entry in ClinVar:

NM_000246.4(CIITA):c.2657+6G>A

Gene: CIITA (class II major histocompatibility complex transactivator; plus strand). Cytogenetic location: 16p13.13.
Variant type: single nucleotide variant.
Coding change: c.2657+6G>A on transcript NM_000246.4 (MANE Select); 6 bases into the intron after coding-DNA position 2657, G replaced by A.
Molecular consequence: intron variant.
Genome position (GRCh38, 1-based): chr16:10,908,155, G>A. VCF-style: chr16-10908155-G-A. GRCh37 (hg19) VCF-style: chr16-11002012-G-A.
Other names: c.2660+6G>A (NM_001286402.1, NM_001379332.1); c.2513+6G>A (NM_001379330.1); c.2657+6G>A (NM_001379333.1); c.2510+6G>A (NM_001379331.1); c.860-828G>A (NM_001286403.2); c.2588+6G>A (NM_001379334.1).
Identifiers: ClinVar variation 2188428 (VCV002188428.3), dbSNP rs1453508996, ClinGen allele CA394734085.

ClinVar aggregate classification (germline): Uncertain significance (1 of 4 stars; one submission).

Conditions:
MHC class II deficiency. Also called: Bare lymphocyte syndrome 2; BLS, TYPE II. Identifiers: Orphanet 572, MedGen C5447452, MONDO:0008855.

Allele frequency attached by ClinVar (database versions not stated): TOPMed below 0.00001.
gnomAD v4.1: 1 of 1,557,496 alleles (0.000064%); no homozygotes.

Submission:

Labcorp Genetics (formerly Invitae), Labcorp
Classification: Uncertain significance for MHC class II deficiency. Last evaluated: 2024-02-20. Review status: criteria provided, single submitter. Criteria: Invitae Variant Classification Sherloc (09022015). Collection method: clinical testing. Allele origin: germline.
Comment: This sequence change falls in intron 11 of the CIITA gene. It does not directly change the encoded amino acid sequence of the CIITA protein. It affects a nucleotide within the consensus splice site. The frequency data for this variant in the population databases is considered unreliable, as metrics indicate poor data quality at this position in the gnomAD database. This variant has not been reported in the literature in individuals affected with CIITA-related conditions. ClinVar contains an entry for this variant (Variation ID: 2188428). Variants that disrupt the consensus splice site are a relatively common cause of aberrant splicing (PMID: 17576681, 9536098). Algorithms developed to predict the effect of sequence changes on RNA splicing suggest that this variant is not likely to affect RNA splicing. In summary, the available evidence is currently insufficient to determine the role of this variant in disease. Therefore, it has been classified as a Variant of Uncertain Significance.

Literature cited by the submitters: PubMed 17576681; PubMed 9536098.